The following is an entry in ClinVar:

ClinVar aggregate classification (germline): Uncertain significance. Review status: criteria provided, multiple submitters, no conflicts (2 of 4 stars). 2 submissions from 2 submitters: Uncertain significance (2). Last evaluated 2025-08-29.

Conditions:
Inborn genetic diseases. Identifiers: MedGen C0950123, MeSH D030342.

Submissions (2):

Ambry Genetics
Classification: Uncertain significance for Inborn genetic diseases. Last evaluated: 2025-08-29. Review status: criteria provided, single submitter. Criteria: Ambry Variant Classification Scheme 2023. Collection method: clinical testing. Allele origin: germline.

Labcorp Genetics (formerly Invitae), Labcorp
Classification: Uncertain significance. Last evaluated: 2024-08-11. Review status: criteria provided, single submitter. Criteria: Invitae Variant Classification Sherloc (09022015). Collection method: clinical testing. Allele origin: germline.
Comment: This sequence change replaces valine, which is neutral and non-polar, with leucine, which is neutral and non-polar, at codon 257 of the SETBP1 protein (p.Val257Leu). This variant is not present in population databases (gnomAD no frequency). This variant has not been reported in the literature in individuals affected with SETBP1-related conditions. Advanced modeling of protein sequence and biophysical properties (such as structural, functional, and spatial information, amino acid conservation, physicochemical variation, residue mobility, and thermodynamic stability) performed at Invitae indicates that this missense variant is not expected to disrupt SETBP1 protein function with a negative predictive value of 80%. In summary, the available evidence is currently insufficient to determine the role of this variant in disease. Therefore, it has been classified as a Variant of Uncertain Significance.

NM_015559.3(SETBP1):c.769G>T (p.Val257Leu)

Gene: SETBP1 (SET binding protein 1; plus strand). Cytogenetic location: 18q12.3.
Variant type: single nucleotide variant.
Coding change: c.769G>T on transcript NM_015559.3 (MANE Select); coding-DNA position 769, G replaced by T.
Protein change: p.Val257Leu; replaces valine 257 with leucine.
Molecular consequence: missense variant.
Genome position (GRCh38, 1-based): chr18:44,950,109, G>T. VCF-style: chr18-44950109-G-T. GRCh37 (hg19) VCF-style: chr18-42530074-G-T.
Other names: c.769G>T, p.Val257Leu (NM_001379141.1, NM_001379142.1, NM_001410862.1); c.769G>T (NM_015559.2); short protein forms V257L.
Identifiers: ClinVar variation 2886315 (VCV002886315.4), dbSNP rs144967125, ClinGen allele CA402316798.